The following is an entry in ClinVar:

ClinVar aggregate classification (germline): Conflicting classifications of pathogenicity. Review status: criteria provided, conflicting classifications (1 of 4 stars). 3 submissions from 3 submitters: Uncertain significance (2); Likely benign (1). Last evaluated 2025-02-13.

Conditions:
Inborn genetic diseases. Identifiers: MedGen C0950123, MeSH D030342.
Congenital disorder of deglycosylation (CDDG). Identifiers: MedGen C3808991, MONDO:0031376.

Allele frequency attached by ClinVar (database versions not stated): gnomAD exomes below 0.00001 and 0.00002; gnomAD 0.00001; TOPMed 0.00001.
gnomAD v4.1: 24 of 1,567,080 alleles (0.0015%); highest among the groups gnomAD compares: Non-Finnish European, 0.002%; no homozygotes.

Submissions (3):

Ambry Genetics
Classification: Likely benign for Inborn genetic diseases. Last evaluated: 2025-02-13. Review status: criteria provided, single submitter. Criteria: Ambry Variant Classification Scheme 2023. Collection method: clinical testing. Allele origin: germline.

Labcorp Genetics (formerly Invitae), Labcorp
Classification: Uncertain significance for Congenital disorder of deglycosylation. Last evaluated: 2022-10-13. Review status: criteria provided, single submitter. Criteria: Invitae Variant Classification Sherloc (09022015). Collection method: clinical testing. Allele origin: germline.
Comment: This sequence change replaces asparagine, which is neutral and polar, with aspartic acid, which is acidic and polar, at codon 509 of the NGLY1 protein (p.Asn509Asp). The frequency data for this variant in the population databases is considered unreliable, as metrics indicate poor data quality at this position in the gnomAD database. This variant has not been reported in the literature in individuals affected with NGLY1-related conditions. ClinVar contains an entry for this variant (Variation ID: 1032034). Advanced modeling of protein sequence and biophysical properties (such as structural, functional, and spatial information, amino acid conservation, physicochemical variation, residue mobility, and thermodynamic stability) performed at Invitae indicates that this missense variant is not expected to disrupt NGLY1 protein function. In summary, the available evidence is currently insufficient to determine the role of this variant in disease. Therefore, it has been classified as a Variant of Uncertain Significance.

Baylor Genetics
Classification: Uncertain significance for Congenital disorder of deglycosylation 1. Last evaluated: 2018-11-08. Review status: criteria provided, single submitter. Criteria: ACMG Guidelines, 2015. Collection method: clinical testing. Allele origin: paternal. Affected: yes.
Comment: This variant was determined to be of uncertain significance according to ACMG Guidelines, 2015 [PMID:25741868].

NM_018297.4(NGLY1):c.1525A>G (p.Asn509Asp)

Gene: NGLY1 (N-glycanase 1; minus strand). Cytogenetic location: 3p24.2.
Variant type: single nucleotide variant.
Coding change: c.1525A>G on transcript NM_018297.4 (MANE Select); coding-DNA position 1525, A replaced by G.
Protein change: p.Asn509Asp; replaces asparagine 509 with aspartic acid.
Molecular consequence: missense variant.
Genome position (GRCh38, 1-based): chr3:25,729,219, T>C on the plus strand (A>G on the coding strand, the complement: NGLY1 is on the minus strand). VCF-style: chr3-25729219-T-C. GRCh37 (hg19) VCF-style: chr3-25770710-T-C.
Other names: c.1471A>G, p.Asn491Asp (NM_001145293.2); c.1399A>G, p.Asn467Asp (NM_001145294.2); c.1525A>G, p.Asn509Asp (NM_001145295.2); short protein forms N509D, N467D, N491D.
Identifiers: ClinVar variation 1032034 (VCV001032034.5), dbSNP rs1337509224, ClinGen allele CA351896657.